The following is an entry in ClinVar:

ClinVar aggregate classification (germline): Uncertain significance (1 of 4 stars; one submission).

gnomAD v4.1: 1 of 1,556,350 alleles (0.000064%); highest among the groups gnomAD compares: Admixed American, 0.0019%; no homozygotes.

Submission:

GeneDx
Classification: Uncertain significance. Last evaluated: 2025-11-25. Review status: criteria provided, single submitter. Criteria: GeneDx Variant Classification Process June 2021. Collection method: clinical testing. Allele origin: germline.
Comment: Not observed at significant frequency in large population cohorts (gnomAD); In silico analysis suggests that this missense variant does not alter protein structure/function; Has not been previously published as pathogenic or benign to our knowledge

NM_015697.9(COQ2):c.76C>T (p.His26Tyr)

Genes: COQ2 (coenzyme Q2, polyprenyltransferase; minus strand), LOC112997540 (Sharpr-MPRA regulatory region 13773; plus strand). Cytogenetic location: 4q21.23.
Variant type: single nucleotide variant.
Coding change: c.76C>T on transcript NM_015697.9; coding-DNA position 76, C replaced by T.
Protein change: p.His26Tyr; replaces histidine 26 with tyrosine.
Molecular consequence: missense variant.
Genome position (GRCh38, 1-based): chr4:83,284,839, G>A on the plus strand (C>T on the coding strand, the complement: COQ2 is on the minus strand). VCF-style: chr4-83284839-G-A. GRCh37 (hg19) VCF-style: chr4-84205992-G-A.
Other names: short protein forms H26Y.
Identifiers: ClinVar variation 3369304 (VCV003369304.2).